The following is an entry in ClinVar:

NM_002226.5(JAG2):c.2369C>G (p.Thr790Ser)

Gene: JAG2 (jagged canonical Notch ligand 2; minus strand). Cytogenetic location: 14q32.33.
Variant type: single nucleotide variant.
Coding change: c.2369C>G on transcript NM_002226.5 (MANE Select); coding-DNA position 2369, C replaced by G.
Protein change: p.Thr790Ser; replaces threonine 790 with serine.
Molecular consequence: missense variant.
Genome position (GRCh38, 1-based): chr14:105,147,524, G>C on the plus strand (C>G on the coding strand, the complement: JAG2 is on the minus strand). VCF-style: chr14-105147524-G-C. GRCh37 (hg19) VCF-style: chr14-105613861-G-C.
Other names: c.2255C>G, p.Thr752Ser (NM_145159.3); short protein forms T752S, T790S.
Identifiers: ClinVar variation 3367028 (VCV003367028.1).
Genomic context (GRCh38, chr14:105,147,524, plus strand): 5'-ACCCACCCCTGCTGTGGCCCCCAGGGTGCCACTCACCAAGGCAGAGGGTTGCAGTCGTTG[G>C]TATCTGGTTTGGGAGAAGAGAACGCAGGGGATCAGTACCCACCCCCCAAGCGTGCCAGGC-3'
Protein context (NP_002217.3, residues 780-800): GWEGRTCTHN[Thr790Ser]NDCNPLPCYN

ClinVar aggregate classification (germline): Uncertain significance (1 of 4 stars; one submission).

Conditions:
Muscular dystrophy, limb-girdle, autosomal recessive 27. Identifiers: MedGen C5562002, MONDO:0030456, OMIM 619566.

gnomAD v4.1: 5 of 1,612,132 alleles (0.00031%); highest among the groups gnomAD compares: South Asian, 0.0055%; no homozygotes.

Submission:

Neuberg Centre For Genomic Medicine, NCGM
Classification: Uncertain significance for Muscular dystrophy, limb-girdle, autosomal recessive 27. Last evaluated: 2023-05-20. Review status: criteria provided, single submitter. Criteria: ACMG Guidelines, 2015. Collection method: clinical testing. Allele origin: germline. Inheritance: Autosomal recessive inheritance. Affected: yes.
Comment: The observed missense c.2369C>G(p.Thr790Ser) variant in JAG2 gene has not been reported previously as a pathogenic variant nor a benign variant, to our knowledge. The p.Thr790Ser variant has been reported with 0.001% in gnomAD Exomes. This variant has not been submitted to the ClinVar database. Multiple lines of computational evidences (Polyphen - Possibly damaging, SIFT - Tolerated and MutationTaster - Disease causing) predict conflicting evidence on protein structure and function for this variant. The reference amino acid is predicted as conserved by GERP++ and PhyloP across 100 vertebrates. The amino acid Thr at position 790 is changed to a Ser changing protein sequence and it might alter its composition and physico-chemical properties. For these reasons, this variant has been classified as a Variant of Uncertain Significance (VUS).